The following is an entry in ClinVar:

ClinVar aggregate classification (germline): Pathogenic (1 of 4 stars; one submission).

Conditions:
Autosomal recessive osteopetrosis 1. Also called: ALBERS-SCHONBERG DISEASE, AUTOSOMAL RECESSIVE; TCIRG1-Related Autosomal Recessive Osteopetrosis; TCIRG1-Related Osteopetrosis. Identifiers: Orphanet 667, MedGen C1850127, MONDO:0009815, OMIM 259700.

Submission:

Myriad Genetics, Inc.
Classification: Pathogenic for Autosomal recessive osteopetrosis 1. Last evaluated: 2024-08-08. Review status: criteria provided, single submitter. Criteria: Myriad Autosomal Dominant, Autosomal Recessive and X-Linked Classification Criteria (2023). Collection method: clinical testing. Allele origin: unknown.
Comment: NM_006019.3(TCIRG1):c.2178delC(C727Afs*14) is expected to be pathogenic in the context of autosomal recessive osteopetrosis type 1. This variant is predicted to lead to an abnormal or absent protein product due to the creation of a premature termination codon in TCIRG1, a gene where loss-of-function variants are known to be pathogenic. Please note: this variant was assessed in the context of healthy population screening.

NM_006019.4(TCIRG1):c.2178del (p.Cys727fs)

Gene: TCIRG1 (T cell immune regulator 1, ATPase H+ transporting V0 subunit a3; plus strand). Cytogenetic location: 11q13.2.
Variant type: Deletion.
Coding change: c.2178del on transcript NM_006019.4 (MANE Select); coding-DNA position 2178, one base deleted (C; older notation c.2178delC).
Protein change: p.Cys727fs; shifts the reading frame from cysteine 727.
Molecular consequence: frameshift variant.
Genome position (GRCh38, 1-based): chr11:68,050,196, C deleted. VCF-style (leftmost placement, unchanged base first): chr11-68050195-GC-G. GRCh37 (hg19) VCF-style: chr11-67817662-GC-G.
Other names: c.1284del, p.Cys429fs (NM_001351059.2); c.2178del, p.Cys727fs (NM_001440552.1, NM_001440553.1, NM_001440554.1 and 2 more transcripts); c.2136del, p.Cys713fs (NM_001440555.1, NM_001440556.1, NM_001440563.1); c.1965del, p.Cys656fs (NM_001440559.1, NM_001440560.1, NM_001440561.1 and 2 more transcripts); c.1923del, p.Cys642fs (NM_001440564.1); c.1878del, p.Cys627fs (NM_001440565.1); c.1716del, p.Cys573fs (NM_001440567.1); c.1710del, p.Cys571fs (NM_001440568.1); and 2 more; short protein forms C407fs, C429fs, C511fs, C571fs, C573fs, C627fs, C642fs, C656fs.
Identifiers: ClinVar variation 5013429 (VCV005013429.1).